The following is an entry in ClinVar:

NM_002878.4(RAD51D):c.374C>T (p.Ala125Val)

Genes: RAD51D (RAD51 paralog D; minus strand), RAD51L3-RFFL (RAD51L3-RFFL readthrough; minus strand). Cytogenetic location: 17q12.
Variant type: single nucleotide variant.
Coding change: c.374C>T on transcript NM_002878.4 (MANE Select); coding-DNA position 374, C replaced by T.
Protein change: p.Ala125Val; replaces alanine 125 with valine.
Molecular consequence: missense variant. On other transcripts: non-coding transcript variant (1), intron variant (1).
Genome position (GRCh38, 1-based): chr17:35,107,094, G>A on the plus strand (C>T on the coding strand, the complement: RAD51D is on the minus strand). VCF-style: chr17-35107094-G-A. GRCh37 (hg19) VCF-style: chr17-33434113-G-A.
Other names: c.434C>T, p.Ala145Val (NM_001142571.2); c.145-613C>T (NM_133629.3); short protein forms A125V, A145V.
Identifiers: ClinVar variation 472604 (VCV000472604.21), dbSNP rs1390812423, ClinGen allele CA399089350.
Genomic context (GRCh38, chr17:35,107,094, plus strand): 5'-CGGGAAGCTGTCAGCCCTCCATTGGAATCTACATATAGGACGTTTTGCTGCAGGCCATGG[G>A]CCACATTTGCTGCCATACAGAGACATACCTGGGGGTGGGGGCATTGGATGAACTTGACAC-3'
Protein context (NP_002869.3, residues 115-135): QVCLCMAANV[Ala125Val]HGLQQNVLYV

ClinVar aggregate classification (germline): Uncertain significance. Review status: criteria provided, multiple submitters, no conflicts (2 of 4 stars). 6 submissions from 6 submitters: Uncertain significance (6). Last evaluated 2025-11-27.

Conditions:
Breast-ovarian cancer, familial, susceptibility to, 4. Identifiers: Orphanet 145, MedGen C3280345, MONDO:0013669, OMIM 614291.
Hereditary cancer-predisposing syndrome. Also called: Neoplastic Syndromes, Hereditary; Tumor predisposition; Hereditary Cancer Syndrome; Hereditary neoplastic syndrome. Identifiers: Orphanet 140162, MedGen C0027672, MeSH D009386, MONDO:0015356.

Allele frequency attached by ClinVar (database versions not stated): TOPMed below 0.00001; gnomAD 0.00001; gnomAD exomes 0.00001 and 0.00002.
gnomAD v4.1: 7 of 1,613,902 alleles (0.00043%); highest among the groups gnomAD compares: Admixed American, 0.01%; no homozygotes.

Submissions (6):

Labcorp Genetics (formerly Invitae), Labcorp
Classification: Uncertain significance for Breast-ovarian cancer, familial, susceptibility to, 4. Last evaluated: 2025-11-27. Review status: criteria provided, single submitter. Criteria: Invitae Variant Classification Sherloc (09022015). Collection method: clinical testing. Allele origin: germline.
Comment: This sequence change replaces alanine, which is neutral and non-polar, with valine, which is neutral and non-polar, at codon 125 of the RAD51D protein (p.Ala125Val). This variant is present in population databases (no rsID available, gnomAD 0.01%). This variant has not been reported in the literature in individuals affected with RAD51D-related conditions. ClinVar contains an entry for this variant (Variation ID: 472604). Invitae Evidence Modeling of protein sequence and biophysical properties (such as structural, functional, and spatial information, amino acid conservation, physicochemical variation, residue mobility, and thermodynamic stability) indicates that this missense variant is not expected to disrupt RAD51D protein function with a negative predictive value of 80%. In summary, the available evidence is currently insufficient to determine the role of this variant in disease. Therefore, it has been classified as a Variant of Uncertain Significance.

Ambry Genetics
Classification: Uncertain significance for Hereditary cancer-predisposing syndrome. Last evaluated: 2024-09-05. Review status: criteria provided, single submitter. Criteria: Ambry Variant Classification Scheme 2023. Collection method: clinical testing. Allele origin: germline.
Comment: The p.A125V variant (also known as c.374C>T), located in coding exon 5 of the RAD51D gene, results from a C to T substitution at nucleotide position 374. The alanine at codon 125 is replaced by valine, an amino acid with similar properties. This amino acid position is highly conserved in available vertebrate species. In addition, this alteration is predicted to be deleterious by in silico analysis. Based on the available evidence, the clinical significance of this variant remains unclear.

Color Diagnostics, LLC DBA Color Health
Classification: Uncertain significance for Hereditary cancer-predisposing syndrome. Last evaluated: 2024-03-06. Review status: criteria provided, single submitter. Criteria: ACMG Guidelines, 2015. Collection method: clinical testing. Allele origin: germline.
Comment: This missense variant replaces alanine with valine at codon 125 of the RAD51D protein. Computational prediction suggests that this variant may not impact protein structure and function (internally defined REVEL score threshold <= 0.5, PMID: 27666373). To our knowledge, functional studies have not been reported for this variant. This variant has not been reported in individuals affected with hereditary cancer in the literature. This variant has been identified in 4/251450 chromosomes in the general population by the Genome Aggregation Database (gnomAD). The available evidence is insufficient to determine the role of this variant in disease conclusively. Therefore, this variant is classified as a Variant of Uncertain Significance.

Baylor Genetics
Classification: Uncertain significance for Breast-ovarian cancer, familial, susceptibility to, 4. Last evaluated: 2023-10-01. Review status: criteria provided, single submitter. Criteria: ACMG Guidelines, 2015. Collection method: clinical testing. Allele origin: unknown.

Quest Diagnostics Nichols Institute San Juan Capistrano
Classification: Uncertain significance. Last evaluated: 2023-07-26. Review status: criteria provided, single submitter. Criteria: Quest Diagnostics criteria. Collection method: clinical testing. Allele origin: unknown.
Comment: The best available variant frequency is uninformative because it is below the disease allele frequency. Analysis of this variant using bioinformatics tools for the prediction of the effect of amino acid changes on protein structure and function yielded conflicting predictions. The variant was found in at least one symptomatic individual.

GeneDx
Classification: Uncertain significance. Last evaluated: 2020-02-04. Review status: criteria provided, single submitter. Criteria: GeneDx Variant Classification Process June 2021. Collection method: clinical testing. Allele origin: germline. Affected: yes.
Comment: In silico analysis supports that this missense variant does not alter protein structure/function; Has not been previously published as pathogenic or benign to our knowledge